The following is an entry in ClinVar:

NM_052989.3(IFT122):c.3638T>C (p.Met1213Thr)

Gene: IFT122 (intraflagellar transport 122; plus strand). Cytogenetic location: 3q22.1.
Variant type: single nucleotide variant.
Coding change: c.3638T>C on transcript NM_052989.3 (MANE Select); coding-DNA position 3638, T replaced by C.
Protein change: p.Met1213Thr; replaces methionine 1213 with threonine.
Molecular consequence: missense variant.
Genome position (GRCh38, 1-based): chr3:129,520,177, T>C. VCF-style: chr3-129520177-T-C. GRCh37 (hg19) VCF-style: chr3-129239020-T-C.
Other names: c.3617T>C, p.Met1206Thr (NM_001280541.2); c.3188T>C, p.Met1063Thr (NM_001280545.2); c.3011T>C, p.Met1004Thr (NM_001280546.2); c.3461T>C, p.Met1154Thr (NM_018262.4); c.3791T>C, p.Met1264Thr (NM_052985.4); c.3308T>C, p.Met1103Thr (NM_052990.3); short protein forms M1103T, M1206T, M1063T, M1004T, M1264T, M1154T, M1213T.
Identifiers: ClinVar variation 1497496 (VCV001497496.5), dbSNP rs140623081, ClinGen allele CA2607002.
Genomic context (GRCh38, chr3:129,520,177, plus strand): 5'-AGGCGTAGGGCTGATGAGCACTAGGGCTTCAGCCTGGTCTTACAGCTGTCTTCCCTTAGA[T>C]GTTCCATTCTGAGGACTATGAGTTGCTGGTGCTTCAGCATGGCTGCTGCCCCTACTGCCG-3'
Protein context (NP_443715.1, residues 1203-1223): SITMCPSCFQ[Met1213Thr]FHSEDYELLV

ClinVar aggregate classification (germline): Uncertain significance. Review status: criteria provided, multiple submitters, no conflicts (2 of 4 stars). 2 submissions from 2 submitters: Uncertain significance (2). Last evaluated 2024-01-23.

Conditions:
Cranioectodermal dysplasia 1 (CED1). Also called: LEVIN SYNDROME I. Identifiers: Orphanet 1515, MedGen C0432235, MONDO:0021093, OMIM 218330.

Allele frequency attached by ClinVar (database versions not stated): gnomAD exomes 0.00003 and 0.00012; ExAC 0.00016; ESP Exome Variant Server 0.00046; TOPMed 0.00048; gnomAD 0.00050; 1000 Genomes Project 0.00120; 1000 Genomes Project 30x 0.00125.

Submissions (2):

Fulgent Genetics
Classification: Uncertain significance for Cranioectodermal dysplasia 1. Last evaluated: 2024-01-23. Review status: criteria provided, single submitter. Criteria: ACMG Guidelines, 2015. Collection method: clinical testing. Allele origin: germline.

Labcorp Genetics (formerly Invitae), Labcorp
Classification: Uncertain significance for Cranioectodermal dysplasia 1. Last evaluated: 2022-09-01. Review status: criteria provided, single submitter. Criteria: Invitae Variant Classification Sherloc (09022015). Collection method: clinical testing. Allele origin: germline.
Comment: This sequence change replaces methionine, which is neutral and non-polar, with threonine, which is neutral and polar, at codon 1264 of the IFT122 protein (p.Met1264Thr). This variant is present in population databases (rs140623081, gnomAD 0.1%). This variant has not been reported in the literature in individuals affected with IFT122-related conditions. ClinVar contains an entry for this variant (Variation ID: 1497496). Algorithms developed to predict the effect of missense changes on protein structure and function are either unavailable or do not agree on the potential impact of this missense change (SIFT: "Deleterious"; PolyPhen-2: "Benign"; Align-GVGD: "Class C25"). In summary, the available evidence is currently insufficient to determine the role of this variant in disease. Therefore, it has been classified as a Variant of Uncertain Significance.